The following is an entry in ClinVar:

ClinVar aggregate classification (germline): Uncertain significance (1 of 4 stars; one submission).

Conditions:
Neurofibromatosis, type 2 (SWNV). Also called: BILATERAL ACOUSTIC NEUROFIBROMATOSIS; SCHWANNOMATOSIS, VESTIBULAR; NF2-Related Schwannomatosis. Identifiers: Orphanet 637, MedGen C0027832, MONDO:0007039, OMIM 101000. Disease mechanism: loss of function.

Submission:

Labcorp Genetics (formerly Invitae), Labcorp
Classification: Uncertain significance for Neurofibromatosis, type 2. Last evaluated: 2021-10-16. Review status: criteria provided, single submitter. Criteria: Invitae Variant Classification Sherloc (09022015). Collection method: clinical testing. Allele origin: germline.
Comment: In summary, the available evidence is currently insufficient to determine the role of this variant in disease. Therefore, it has been classified as a Variant of Uncertain Significance. Algorithms developed to predict the effect of missense changes on protein structure and function are either unavailable or do not agree on the potential impact of this missense change (SIFT: "Tolerated"; PolyPhen-2: "Possibly Damaging"; Align-GVGD: "Class C0"). This variant has not been reported in the literature in individuals affected with NF2-related conditions. This variant is not present in population databases (ExAC no frequency). This sequence change replaces alanine with proline at codon 190 of the NF2 protein (p.Ala190Pro). The alanine residue is moderately conserved and there is a small physicochemical difference between alanine and proline.

NM_000268.4(NF2):c.568G>C (p.Ala190Pro)

Gene: NF2 (NF2, moesin-ezrin-radixin like (MERLIN) tumor suppressor; plus strand). Cytogenetic location: 22q12.2.
Variant type: single nucleotide variant.
Coding change: c.568G>C on transcript NM_000268.4 (MANE Select); coding-DNA position 568, G replaced by C.
Protein change: p.Ala190Pro; replaces alanine 190 with proline.
Molecular consequence: missense variant. On other transcripts: non-coding transcript variant (1), intron variant (1).
Genome position (GRCh38, 1-based): chr22:29,655,645, G>C. VCF-style: chr22-29655645-G-C. GRCh37 (hg19) VCF-style: chr22-30051634-G-C.
Other names: c.568G>C, p.Ala190Pro (NM_016418.5, NM_181825.3, NM_181832.3); c.442G>C, p.Ala148Pro (NM_181828.3); c.445G>C, p.Ala149Pro (NM_181829.3); c.319G>C, p.Ala107Pro (NM_181830.3, NM_181831.3); c.447+13360G>C (NM_181833.3); short protein forms A149P, A107P, A190P, A148P.
Identifiers: ClinVar variation 1468564 (VCV001468564.6), dbSNP rs2146972966, ClinGen allele CA411142633.